The following is an entry in ClinVar:

NM_003742.4(ABCB11):c.2380C>T (p.Gln794Ter)

Gene: ABCB11 (ATP binding cassette subfamily B member 11; minus strand). Cytogenetic location: 2q31.1.
Variant type: single nucleotide variant.
Coding change: c.2380C>T on transcript NM_003742.4 (MANE Select); coding-DNA position 2380, C replaced by T.
Protein change: p.Gln794Ter; replaces glutamine 794 with a stop codon.
Molecular consequence: nonsense.
Genome position (GRCh38, 1-based): chr2:168,944,925, G>A on the plus strand (C>T on the coding strand, the complement: ABCB11 is on the minus strand). VCF-style: chr2-168944925-G-A. GRCh37 (hg19) VCF-style: chr2-169801435-G-A.
Other names: NM_003742.4(ABCB11):c.2380C>T; p.Gln794Ter; c.2380C>T, p.Gln794Ter (LRG_1199t1); short protein forms Q794*.
Identifiers: ClinVar variation 417884 (VCV000417884.19), dbSNP rs1060499579, ClinGen allele CA16616898.
Genomic context (GRCh38, chr2:168,944,925, plus strand): 5'-ATTGGGTGAAAAGAGATACACAGCCCATTGCTACAAAAAGTAGGCACACACCATTGATCT[G>A]TGACCTTTGTTCCTCTTTATCAGGAATTGAAAAAGTCTTGGAAAGATAGTAAACAAGAAA-3'

ClinVar aggregate classification (germline): Pathogenic. Review status: criteria provided, multiple submitters, no conflicts (2 of 4 stars). 9 submissions from 9 submitters: Pathogenic (8). 1 of the submissions does not count toward it. Last evaluated 2026-04-14.

Conditions:
ABCB11-related disorder. Also called: ABCB11-related condition.
Familial intrahepatic cholestasis. Identifiers: Orphanet 284385, MedGen CN296401, MONDO:0017290.
Progressive familial intrahepatic cholestasis type 2. Identifiers: Orphanet 79304, MedGen C3489789, MONDO:0011156, OMIM 601847.
Benign recurrent intrahepatic cholestasis type 2 (BRIC2). Also called: Recurrent familial intrahepatic cholestasis 2. Identifiers: Orphanet 65682, Orphanet 99961, MedGen C2608083, MONDO:0011559, OMIM 605479.

Allele frequency attached by ClinVar (database versions not stated): gnomAD 0.00001.
gnomAD v4.1: 3 of 1,568,130 alleles (0.00019%); highest among the groups gnomAD compares: East Asian, 0.0023%; no homozygotes.

Submissions (9):

Genomenon, Inc
Classification: Pathogenic for Familial intrahepatic cholestasis. Last evaluated: 2026-04-14. Review status: criteria provided, single submitter. Criteria: Genomenon Sequence Variant Interpretation Standards - Updated. Collection method: curation. Allele origin: germline. Affected: yes.
Comment: ABCB11 p.Gln794Ter (c.2380C>T) is a nonsense variant that introduces a premature stop codon at amino acid position 794, creating a truncated protein that is predicted to undergo nonsense-mediated mRNA decay. This variant has been observed in at least one proband with an ABCB11-related disorder (PMID:33215027). It is absent or not present at a significant frequency in gnomAD. In conclusion, we classify ABCB11 p.Gln794Ter (c.2380C>T) as a pathogenic variant.

Broad Center for Mendelian Genomics, Broad Institute of MIT and Harvard
Classification: Pathogenic for Progressive familial intrahepatic cholestasis type 2. Last evaluated: 2025-01-24. Review status: criteria provided, single submitter. Criteria: ACMG Guidelines, 2015. Collection method: curation. Allele origin: germline. Inheritance: Autosomal recessive inheritance.
Comment: The p.Gln794Ter variant in ABCB11 has been reported, in the compound heterozygous state, in one individual with BSEP deficiency (PMID: 33215027), and has been identified in 0.002% (1/42598) of East Asian chromosomes by the Genome Aggregation Database (gnomAD; dbSNP rs1060499579). Although this variant has been seen in the general population in a heterozygous state, its frequency is low enough to be consistent with a recessive carrier frequency. This nonsense variant leads to a premature termination codon at position 794, which is predicted to lead to a truncated or absent protein. However, computational tools, such as spiceAI and pangolin, predict that this variant may cause skipping of the in-frame exon that contains this variant. Therefore, it is possible that the transcript will escape nonsense mediated decay (NMD) and result in a truncated protein. This information is not predictive enough to determine/rule out pathogenicity. Loss of function of the ABCB11 gene is an established disease mechanism in autosomal recessive BSEP deficiency. In summary, this variant meets criteria to be classified as pathogenic for BSEP deficiency. ACMG/AMP Criteria applied: PVS1, PM3, PM2_supporting (Richards 2015).

Natera, Inc.
Classification: Pathogenic for Progressive familial intrahepatic cholestasis type 2. Last evaluated: 2024-10-24. Review status: criteria provided, single submitter. Criteria: Natera Variant Classification Schema (03/2026). Collection method: clinical testing. Allele origin: germline.
Comment: The c.2380C>T variant in ABCB11 is a nonsense variant predicted to introduce a stop codon at amino acid 794. This variant is expected to result in nonsense mediated decay, truncation, or a dysfunctional protein product. This variant is rare in the general population with a frequency below the threshold expected for the associated phenotype(s). This variant has been observed in one or more individuals affected with the associated recessive disease, as either homozygous or compound heterozygous with a second variant (PMID: 33215027). Given the available evidence, this variant is classified as Pathogenic.

Labcorp Genetics (formerly Invitae), Labcorp
Classification: Pathogenic. Last evaluated: 2023-12-13. Review status: criteria provided, single submitter. Criteria: Invitae Variant Classification Sherloc (09022015). Collection method: clinical testing. Allele origin: germline.
Comment: This sequence change creates a premature translational stop signal (p.Gln794*) in the ABCB11 gene. It is expected to result in an absent or disrupted protein product. Loss-of-function variants in ABCB11 are known to be pathogenic (PMID: 18395098, 20232290). This variant is present in population databases (no rsID available, gnomAD 0.06%). This variant has not been reported in the literature in individuals affected with ABCB11-related conditions. ClinVar contains an entry for this variant (Variation ID: 417884). Algorithms developed to predict the effect of sequence changes on RNA splicing suggest that this variant may disrupt the consensus splice site. For these reasons, this variant has been classified as Pathogenic.

PreventionGenetics, part of Exact Sciences
Classification: Pathogenic for ABCB11-related condition. Last evaluated: 2023-08-09. Review status: criteria provided, single submitter. Criteria: ACMG Guidelines, 2015. Collection method: clinical testing. Allele origin: germline.
Comment: The ABCB11 c.2380C>T variant is predicted to result in premature protein termination (p.Gln794*). To our knowledge, this variant has not been reported in the literature. This variant is reported in 0.066% of alleles in individuals of East Asian descent in gnomAD. Nonsense variants in ABCB11 are expected to be pathogenic. This variant is interpreted as pathogenic.

Baylor Genetics
Classification: Pathogenic for Benign recurrent intrahepatic cholestasis type 2. Last evaluated: 2023-03-20. Review status: criteria provided, single submitter. Criteria: ACMG Guidelines, 2015. Collection method: clinical testing. Allele origin: unknown.

Revvity Omics, Revvity
Classification: Pathogenic. Last evaluated: 2023-03-02. Review status: criteria provided, single submitter. Criteria: ACMG Guidelines, 2015. Collection method: clinical testing. Allele origin: germline.

Eurofins Ntd Llc (ga)
Classification: Pathogenic. Last evaluated: 2017-08-18. Review status: criteria provided, single submitter. Criteria: EGL Classification Definitions 2015. Collection method: clinical testing. Allele origin: germline. Observed: 1 variant allele, 1 heterozygote.

Division of Human Genetics, Children's Hospital of Philadelphia
Classification: Pathogenic for Progressive familial intrahepatic cholestasis type 2; Benign recurrent intrahepatic cholestasis type 2. Last evaluated: 2016-04-19. Review status: no assertion criteria provided. Collection method: research. Allele origin: paternal. Affected: yes. Study: CSER-PediSeq. Not counted in ClinVar's aggregate classification.

Literature cited by the submitters: PubMed 33215027 (cited by Genomenon, Inc and Natera, Inc.); PubMed 18395098 (cited by Labcorp Genetics (formerly Invitae), Labcorp); PubMed 20232290 (cited by Labcorp Genetics (formerly Invitae), Labcorp).